The following is an entry in ClinVar:

ClinVar aggregate classification (germline): Uncertain significance. Review status: criteria provided, multiple submitters, no conflicts (2 of 4 stars). 3 submissions from 3 submitters: Uncertain significance (3). Last evaluated 2024-04-12.

Allele frequency attached by ClinVar (database versions not stated): gnomAD 0.00013 and 0.00014; 1000 Genomes Project 30x 0.00016; 1000 Genomes Project 0.00020; TOPMed 0.00021; ExAC 0.00023; ESP Exome Variant Server 0.00031.
gnomAD v4.1: 304 of 1,614,190 alleles (0.019%); highest among the groups gnomAD compares: South Asian, 0.049%; 1 homozygote.

Submissions (3):

Blueprint Genetics
Classification: Uncertain significance. Last evaluated: 2024-04-12. Review status: criteria provided, single submitter. Criteria: ACMG Guidelines, 2015. Collection method: clinical testing. Allele origin: germline.

Labcorp Genetics (formerly Invitae), Labcorp
Classification: Uncertain significance. Last evaluated: 2022-10-13. Review status: criteria provided, single submitter. Criteria: Invitae Variant Classification Sherloc (09022015). Collection method: clinical testing. Allele origin: germline.
Comment: This sequence change replaces arginine, which is basic and polar, with cysteine, which is neutral and slightly polar, at codon 674 of the GRM6 protein (p.Arg674Cys). This variant is present in population databases (rs144442083, gnomAD 0.04%). This variant has not been reported in the literature in individuals affected with GRM6-related conditions. ClinVar contains an entry for this variant (Variation ID: 850349). Advanced modeling of protein sequence and biophysical properties (such as structural, functional, and spatial information, amino acid conservation, physicochemical variation, residue mobility, and thermodynamic stability) performed at Invitae indicates that this missense variant is expected to disrupt GRM6 protein function. In summary, the available evidence is currently insufficient to determine the role of this variant in disease. Therefore, it has been classified as a Variant of Uncertain Significance.

Breakthrough Genomics
Classification: Uncertain significance. Review status: criteria provided, single submitter. Criteria: ACMG Guidelines, 2015. Collection method: not provided. Allele origin: germline. Inheritance: Autosomal recessive inheritance. Affected: yes.

NM_000843.4(GRM6):c.2020C>T (p.Arg674Cys)

Genes: GRM6 (glutamate metabotropic receptor 6; minus strand), ZNF454 (zinc finger protein 454; plus strand). Cytogenetic location: 5q35.3.
Variant type: single nucleotide variant.
Coding change: c.2020C>T on transcript NM_000843.4 (MANE Select); coding-DNA position 2020, C replaced by T.
Protein change: p.Arg674Cys; replaces arginine 674 with cysteine.
Molecular consequence: missense variant.
Genome position (GRCh38, 1-based): chr5:178,986,234, G>A on the plus strand (C>T on the coding strand, the complement: GRM6 is on the minus strand). VCF-style: chr5-178986234-G-A. GRCh37 (hg19) VCF-style: chr5-178413235-G-A.
Other names: short protein forms R674C.
Identifiers: ClinVar variation 850349 (VCV000850349.7), dbSNP rs144442083, ClinGen allele CA3593856.